The following is an entry in ClinVar:

NR_003051.4(RMRP):n.130C>T

Gene: RMRP (RNA component of mitochondrial RNA processing endoribonuclease; minus strand). Cytogenetic location: 9p13.3.
Variant type: single nucleotide variant.
Genome position: GRCh38 VCF-style: chr9-35657890-G-A. GRCh37 (hg19) VCF-style: chr9-35657887-G-A.
Identifiers: ClinVar variation 556947 (VCV000556947.4), dbSNP rs1335579840, ClinGen allele CA464450741.
Genomic context (GRCh38, chr9:35,657,890, plus strand): 5'-GACGCCCCCGCGCCACGCCGCTCAGCGGGATACGCTTCTTGGCGGACTTTGGAGTGGGAA[G>A]CGGGGAATGTCTACGTGCGTATGCACGTGGCACTCTCTGCCCGAGGTCCGGGGACTTTCC-3'

ClinVar aggregate classification (germline): Uncertain significance. Review status: criteria provided, single submitter (1 of 4 stars). 2 submissions from 2 submitters: Uncertain significance (1). 1 of the submissions does not count toward it. Last evaluated 2022-06-09.

Conditions:
Metaphyseal chondrodysplasia, McKusick type (CHH). Also called: Cartilage-hair hypoplasia; Cartilage-Hair Hypoplasia (CHH). Identifiers: Orphanet 175, MedGen C0220748, MONDO:0009595, OMIM 250250.
Anauxetic dysplasia. Identifiers: Orphanet 93347, MedGen C1846796, MONDO:0011773.

Allele frequency attached by ClinVar (database versions not stated): TOPMed below 0.00001; gnomAD exomes 0.00001.
gnomAD v4.1: 2 of 700,356 alleles (0.00029%); highest among the groups gnomAD compares: Non-Finnish European, 0.00026%; no homozygotes.

Submissions (2):

Labcorp Genetics (formerly Invitae), Labcorp
Classification: Uncertain significance for Anauxetic dysplasia. Last evaluated: 2022-06-09. Review status: criteria provided, single submitter. Criteria: Invitae Variant Classification Sherloc (09022015). Collection method: clinical testing. Allele origin: germline.
Comment: This variant occurs in the RMRP gene, which encodes an RNA molecule that does not result in a protein product. This variant is present in population databases (no rsID available, gnomAD 0.004%). This variant has not been reported in the literature in individuals affected with RMRP-related conditions. ClinVar contains an entry for this variant (Variation ID: 556947). In summary, the available evidence is currently insufficient to determine the role of this variant in disease. Therefore, it has been classified as a Variant of Uncertain Significance.

Counsyl
Classification: Uncertain significance for Metaphyseal chondrodysplasia, McKusick type. Last evaluated: 2018-02-27. Review status: no assertion criteria provided. Collection method: clinical testing. Allele origin: unknown. Not counted in ClinVar's aggregate classification.